The following is an entry in ClinVar:

NM_001136193.2(FASTKD2):c.*1415T>G

Gene: FASTKD2 (FAST kinase domains 2; plus strand). Cytogenetic location: 2q33.3.
Variant type: single nucleotide variant.
Coding change: c.*1415T>G on transcript NM_001136193.2 (MANE Select); 1415 bases downstream of the stop codon, T replaced by G.
Molecular consequence: 3 prime UTR variant.
Genome position (GRCh38, 1-based): chr2:206,793,217, T>G. VCF-style: chr2-206793217-T-G. GRCh37 (hg19) VCF-style: chr2-207657941-T-G.
Other names: c.*1415T>G (NM_001136194.2, NM_014929.4).
Identifiers: ClinVar variation 895144 (VCV000895144.4), dbSNP rs6755938, ClinGen allele CA63734011.

ClinVar aggregate classification (germline): Likely benign (1 of 4 stars; one submission).

Conditions:
Mitochondrial complex IV deficiency, nuclear type 1 (MC4DN1). Also called: COX DEFICIENCY; Mitochondrial complex IV deficiency; Complex 4 mitochondrial respiratory chain deficiency; Deficiency of mitochondrial respiratory chain complex4; Complex IV deficiency. Identifiers: MedGen C5435656, MONDO:0700250, OMIM 220110. Disease mechanism: loss of function.

Allele frequency attached by ClinVar (database versions not stated): 1000 Genomes Project 0.01797; TOPMed 0.01808; 1000 Genomes Project 30x 0.01827; gnomAD 0.02355 and 0.02498.
gnomAD v4.1: 1,661 of 71,104 alleles (2.3%); highest among the groups gnomAD compares: African/African-American, 11%; 42 homozygotes.

Submission:

Illumina Laboratory Services, Illumina
Classification: Likely benign for Mitochondrial complex IV deficiency, nuclear type 1. Last evaluated: 2017-05-07. Review status: criteria provided, single submitter. Criteria: ICSL Variant Classification Criteria 13 December 2019. Collection method: clinical testing. Allele origin: germline.
Comment: This variant was observed as part of a predisposition screen in an ostensibly healthy population. A literature search was performed for the gene, cDNA change, and amino acid change (where applicable). No publications were found based on this search. Allele frequency data from public databases allowed determination this variant is unlikely to cause disease. Therefore, this variant is classified as likely benign.